The following is an entry in ClinVar:

ClinVar aggregate classification (germline): Conflicting classifications of pathogenicity. Review status: criteria provided, conflicting classifications (1 of 4 stars). 3 submissions from 3 submitters: Uncertain significance (2); Likely benign (1). Last evaluated 2022-11-01.

Conditions:
Inborn genetic diseases. Identifiers: MedGen C0950123, MeSH D030342.

Allele frequency attached by ClinVar (database versions not stated): gnomAD 0.00009; TOPMed 0.00020; ExAC 0.00026; ESP Exome Variant Server 0.00029.

Submissions (3):

CeGaT Center for Human Genetics Tuebingen
Classification: Likely benign. Last evaluated: 2022-11-01. Review status: criteria provided, single submitter. Criteria: CeGaT Center For Human Genetics Tuebingen Variant Classification Criteria Version 2. Collection method: clinical testing. Allele origin: germline. Affected: yes. Observed: 1 variant allele.
Comment: SYP: BS2

Ambry Genetics
Classification: Uncertain significance for Inborn genetic diseases. Last evaluated: 2021-08-12. Review status: criteria provided, single submitter. Criteria: Ambry Variant Classification Scheme 2023. Collection method: clinical testing. Allele origin: germline.

Genomic Diagnostic Laboratory, Division of Genomic Diagnostics, Children's Hospital of Philadelphia
Classification: Uncertain significance. Last evaluated: 2015-09-30. Review status: criteria provided, single submitter. Criteria: DGD Variant Analysis Guidelines. Collection method: clinical testing. Allele origin: unknown.

NM_003179.3(SYP):c.868G>T (p.Gly290Trp)

Gene: SYP (synaptophysin; minus strand). Cytogenetic location: Xp11.23.
Variant type: single nucleotide variant.
Coding change: c.868G>T on transcript NM_003179.3 (MANE Select); coding-DNA position 868, G replaced by T.
Protein change: p.Gly290Trp; replaces glycine 290 with tryptophan.
Molecular consequence: missense variant.
Genome position (GRCh38, 1-based): chrX:49,191,511, C>A on the plus strand (G>T on the coding strand, the complement: SYP is on the minus strand). VCF-style: chrX-49191511-C-A. GRCh37 (hg19) VCF-style: chrX-49047968-C-A.
Other names: short protein forms G290W.
Identifiers: ClinVar variation 252615 (VCV000252615.28), dbSNP rs376222680, ClinGen allele CA10409701.